The following is an entry in ClinVar:

ClinVar aggregate classification (germline): Uncertain significance (1 of 4 stars; one submission).

gnomAD v4.1: 1 of 1,611,248 alleles (0.000062%); highest among the groups gnomAD compares: Non-Finnish European, 0.000085%; no homozygotes.

Submission:

CeGaT Center for Human Genetics Tuebingen
Classification: Uncertain significance. Last evaluated: 2024-05-01. Review status: criteria provided, single submitter. Criteria: CeGaT Center For Human Genetics Tuebingen Variant Classification Criteria Version 2. Collection method: clinical testing. Allele origin: germline. Affected: yes. Observed: 1 variant allele.
Comment: CAMTA1: PM2, BP4

NM_015215.4(CAMTA1):c.4829G>C (p.Cys1610Ser)

Gene: CAMTA1 (calmodulin binding transcription activator 1; plus strand). Cytogenetic location: 1p36.23.
Variant type: single nucleotide variant.
Coding change: c.4829G>C on transcript NM_015215.4 (MANE Select); coding-DNA position 4829, G replaced by C.
Protein change: p.Cys1610Ser; replaces cysteine 1610 with serine.
Molecular consequence: missense variant.
Genome position (GRCh38, 1-based): chr1:7,751,338, G>C. VCF-style: chr1-7751338-G-C. GRCh37 (hg19) VCF-style: chr1-7811398-G-C.
Other names: c.4739G>C, p.Cys1580Ser (NM_001349608.2); c.4511G>C, p.Cys1504Ser (NM_001349609.2, NM_001349610.2); c.4421G>C, p.Cys1474Ser (NM_001349612.2); c.1958G>C, p.Cys653Ser (NM_001349613.1); c.1922G>C, p.Cys641Ser (NM_001349614.1, NM_001349615.2, NM_001349616.2); c.1901G>C, p.Cys634Ser (NM_001349617.1, NM_001349618.2); c.1583G>C, p.Cys528Ser (NM_001349619.2, NM_001349620.1, NM_001349621.1 and 1 more transcripts); c.1562G>C, p.Cys521Ser (NM_001349623.1, NM_001349624.3, NM_001349625.2 and 1 more transcripts); and 2 more; short protein forms C1473S, C1474S, C1497S, C1504S, C1580S, C1610S, C521S, C528S.
Identifiers: ClinVar variation 3239357 (VCV003239357.19), dbSNP rs2523700380.